The following is an entry in ClinVar:

ClinVar aggregate classification (germline): Likely benign. Review status: criteria provided, multiple submitters, no conflicts (2 of 4 stars). 2 submissions from 2 submitters: Likely benign (2). Last evaluated 2023-12-07.

Allele frequency attached by ClinVar (database versions not stated): gnomAD exomes below 0.00001; gnomAD 0.00001; TOPMed 0.00006.

Submissions (2):

Labcorp Genetics (formerly Invitae), Labcorp
Classification: Likely benign. Last evaluated: 2023-12-07. Review status: criteria provided, single submitter. Criteria: Invitae Variant Classification Sherloc (09022015). Collection method: clinical testing. Allele origin: germline.

GeneDx
Classification: Likely benign. Last evaluated: 2018-05-10. Review status: criteria provided, single submitter. Criteria: GeneDx Variant Classification (06012015). Collection method: clinical testing. Allele origin: germline. Affected: yes.
Comment: This variant is considered likely benign or benign based on one or more of the following criteria: it is a conservative change, it occurs at a poorly conserved position in the protein, it is predicted to be benign by multiple in silico algorithms, and/or has population frequency not consistent with disease.

NM_001083961.2(WDR62):c.1372-10C>T

Gene: WDR62 (WD repeat domain 62; plus strand). Cytogenetic location: 19q13.12.
Variant type: single nucleotide variant.
Coding change: c.1372-10C>T on transcript NM_001083961.2 (MANE Select); 10 bases into the intron before coding-DNA position 1372, C replaced by T.
Molecular consequence: intron variant.
Genome position (GRCh38, 1-based): chr19:36,083,053, C>T. VCF-style: chr19-36083053-C-T. GRCh37 (hg19) VCF-style: chr19-36573955-C-T.
Other names: c.1372-10C>T (NM_173636.5).
Identifiers: ClinVar variation 668295 (VCV000668295.8), dbSNP rs976192698, ClinGen allele CA307866052.